The following is an entry in ClinVar:

ClinVar aggregate classification (germline): Uncertain significance (1 of 4 stars; one submission).

gnomAD v4.1: 1 of 1,614,218 alleles (0.000062%); highest among the groups gnomAD compares: African/African-American, 0.0013%; no homozygotes.

Submission:

Labcorp Genetics (formerly Invitae), Labcorp
Classification: Uncertain significance. Last evaluated: 2024-11-05. Review status: criteria provided, single submitter. Criteria: Invitae Variant Classification Sherloc (09022015). Collection method: clinical testing. Allele origin: germline.
Comment: This sequence change replaces lysine, which is basic and polar, with asparagine, which is neutral and polar, at codon 1266 of the HIVEP2 protein (p.Lys1266Asn). This variant is not present in population databases (gnomAD no frequency). This variant has not been reported in the literature in individuals affected with HIVEP2-related conditions. Invitae Evidence Modeling of protein sequence and biophysical properties (such as structural, functional, and spatial information, amino acid conservation, physicochemical variation, residue mobility, and thermodynamic stability) indicates that this missense variant is not expected to disrupt HIVEP2 protein function with a negative predictive value of 80%. In summary, the available evidence is currently insufficient to determine the role of this variant in disease. Therefore, it has been classified as a Variant of Uncertain Significance.

NM_006734.4(HIVEP2):c.3798G>T (p.Lys1266Asn)

Gene: HIVEP2 (HIVEP zinc finger 2; minus strand). Cytogenetic location: 6q24.2.
Variant type: single nucleotide variant.
Coding change: c.3798G>T on transcript NM_006734.4 (MANE Select); coding-DNA position 3798, G replaced by T.
Protein change: p.Lys1266Asn; replaces lysine 1266 with asparagine.
Molecular consequence: missense variant.
Genome position (GRCh38, 1-based): chr6:142,770,941, C>A on the plus strand (G>T on the coding strand, the complement: HIVEP2 is on the minus strand). VCF-style: chr6-142770941-C-A. GRCh37 (hg19) VCF-style: chr6-143092078-C-A.
Other names: short protein forms K1266N.
Identifiers: ClinVar variation 3719893 (VCV003719893.2).
Genomic context (GRCh38, chr6:142,770,941, plus strand): 5'-TGATGCTCCTGAATAACATGGGTAGGTCTGCTCTTTCGTGTGTGCATACTCAGCAGGTTT[C>A]TTTCCAGTGTGCTCTGCCACATGCTCTAAGGGATAGCTCGAATGGATTTCTGTCTGAAAA-3'
Protein context (NP_006725.3, residues 1256-1276): PLEHVAEHTG[Lys1266Asn]KPAEYAHTKE